The following is an entry in ClinVar:

ClinVar aggregate classification (germline): Uncertain significance (1 of 4 stars; one submission).

gnomAD v4.1: 1 of 1,614,150 alleles (0.000062%); highest among the groups gnomAD compares: Admixed American, 0.0017%; no homozygotes.

Submission:

Labcorp Genetics (formerly Invitae), Labcorp
Classification: Uncertain significance. Last evaluated: 2024-06-08. Review status: criteria provided, single submitter. Criteria: Invitae Variant Classification Sherloc (09022015). Collection method: clinical testing. Allele origin: germline.
Comment: This sequence change replaces glycine, which is neutral and non-polar, with arginine, which is basic and polar, at codon 797 of the KAT6A protein (p.Gly797Arg). This variant is not present in population databases (gnomAD no frequency). This variant has not been reported in the literature in individuals affected with KAT6A-related conditions. Advanced modeling of protein sequence and biophysical properties (such as structural, functional, and spatial information, amino acid conservation, physicochemical variation, residue mobility, and thermodynamic stability) has been performed at Invitae for this missense variant, however the output from this modeling did not meet the statistical confidence thresholds required to predict the impact of this variant on KAT6A protein function. In summary, the available evidence is currently insufficient to determine the role of this variant in disease. Therefore, it has been classified as a Variant of Uncertain Significance.

NM_006766.5(KAT6A):c.2389G>A (p.Gly797Arg)

Gene: KAT6A (lysine acetyltransferase 6A; minus strand). Cytogenetic location: 8p11.21.
Variant type: single nucleotide variant.
Coding change: c.2389G>A on transcript NM_006766.5 (MANE Select); coding-DNA position 2389, G replaced by A.
Protein change: p.Gly797Arg; replaces glycine 797 with arginine.
Molecular consequence: missense variant.
Genome position (GRCh38, 1-based): chr8:41,942,840, C>T on the plus strand (G>A on the coding strand, the complement: KAT6A is on the minus strand). VCF-style: chr8-41942840-C-T. GRCh37 (hg19) VCF-style: chr8-41800358-C-T.
Other names: c.2389G>A, p.Gly797Arg (NM_001305878.2); short protein forms G797R.
Identifiers: ClinVar variation 3610812 (VCV003610812.2).